The following is an entry in ClinVar:

ClinVar aggregate classification (germline): Uncertain significance (1 of 4 stars; one submission).

Conditions:
Primary erythromelalgia. Also called: SCN9A Erythromelalgia (SCN9A-EM); primary erythermalgia. Identifiers: Orphanet 306577, Orphanet 90026, MedGen C0014805, MONDO:0007571, OMIM 133020.

gnomAD v4.1: 3 of 1,614,010 alleles (0.00019%); highest among the groups gnomAD compares: Admixed American, 0.0017%; no homozygotes.

Submission:

Institute of Human Genetics, University of Leipzig Medical Center
Classification: Uncertain significance for Primary erythromelalgia. Last evaluated: 2025-07-15. Review status: criteria provided, single submitter. Criteria: ACMG Guidelines, 2015. Collection method: clinical testing. Allele origin: unknown. Inheritance: Autosomal dominant inheritance. Affected: yes.
Comment: Criteria applied: PM1_SUP,PM2_SUP,PP2,PP3

NM_001365536.1(SCN9A):c.4942G>A (p.Gly1648Ser)

Genes: SCN1A-AS1 (SCN1A and SCN9A antisense RNA 1; plus strand), SCN9A (sodium voltage-gated channel alpha subunit 9; minus strand). Cytogenetic location: 2q24.3.
Variant type: single nucleotide variant.
Coding change: c.4942G>A on transcript NM_001365536.1 (MANE Select); coding-DNA position 4942, G replaced by A.
Protein change: p.Gly1648Ser; replaces glycine 1648 with serine.
Molecular consequence: missense variant. On other transcripts: non-coding transcript variant (1).
Genome position (GRCh38, 1-based): chr2:166,199,697, C>T on the plus strand (G>A on the coding strand, the complement: SCN9A is on the minus strand). VCF-style: chr2-166199697-C-T. GRCh37 (hg19) VCF-style: chr2-167056207-C-T.
Other names: c.4909G>A, p.Gly1637Ser (NM_002977.4); short protein forms G1637S, G1648S.
Identifiers: ClinVar variation 4082338 (VCV004082338.1).